The following is an entry in ClinVar:

ClinVar aggregate classification (germline): Uncertain significance. Review status: criteria provided, multiple submitters, no conflicts (2 of 4 stars). 2 submissions from 2 submitters: Uncertain significance (2). Last evaluated 2021-03-12.

Conditions:
Hereditary cancer-predisposing syndrome. Also called: Tumor predisposition; Hereditary neoplastic syndrome; Neoplastic Syndromes, Hereditary; Hereditary Cancer Syndrome. Identifiers: Orphanet 140162, MedGen C0027672, MeSH D009386, MONDO:0015356.
Parathyroid carcinoma (PRTC). Also called: Parathyroid gland carcinoma; CDC73-Related Parathyroid Carcinoma. Identifiers: Orphanet 143, MedGen C0687150, MONDO:0012004, OMIM 608266, HP:0006780.

Submissions (2):

Ambry Genetics
Classification: Uncertain significance for Hereditary cancer-predisposing syndrome. Last evaluated: 2021-03-12. Review status: criteria provided, single submitter. Criteria: Ambry Variant Classification Scheme 2023. Collection method: clinical testing. Allele origin: germline.
Comment: The p.Y425C variant (also known as c.1274A>G), located in coding exon 14 of the CDC73 gene, results from an A to G substitution at nucleotide position 1274. The tyrosine at codon 425 is replaced by cysteine, an amino acid with highly dissimilar properties. This amino acid position is highly conserved in available vertebrate species. In addition, this alteration is predicted to be deleterious by in silico analysis. Since supporting evidence is limited at this time, the clinical significance of this alteration remains unclear.

Labcorp Genetics (formerly Invitae), Labcorp
Classification: Uncertain significance for Parathyroid carcinoma. Last evaluated: 2020-05-21. Review status: criteria provided, single submitter. Criteria: Invitae Variant Classification Sherloc (09022015). Collection method: clinical testing. Allele origin: germline.
Comment: In summary, the available evidence is currently insufficient to determine the role of this variant in disease. Therefore, it has been classified as a Variant of Uncertain Significance. Algorithms developed to predict the effect of missense changes on protein structure and function are either unavailable or do not agree on the potential impact of this missense change (SIFT: "Deleterious"; PolyPhen-2: "Probably Damaging"; Align-GVGD: "Class C0"). This variant has not been reported in the literature in individuals with CDC73-related conditions. This variant is not present in population databases (ExAC no frequency). This sequence change replaces tyrosine with cysteine at codon 425 of the CDC73 protein (p.Tyr425Cys). The tyrosine residue is moderately conserved and there is a large physicochemical difference between tyrosine and cysteine.

NM_024529.5(CDC73):c.1274A>G (p.Tyr425Cys)

Gene: CDC73 (cell division cycle 73; plus strand). Cytogenetic location: 1q31.2.
Variant type: single nucleotide variant.
Coding change: c.1274A>G on transcript NM_024529.5 (MANE Select); coding-DNA position 1274, A replaced by G.
Protein change: p.Tyr425Cys; replaces tyrosine 425 with cysteine.
Molecular consequence: missense variant.
Genome position (GRCh38, 1-based): chr1:193,233,112, A>G. VCF-style: chr1-193233112-A-G. GRCh37 (hg19) VCF-style: chr1-193202242-A-G.
Other names: short protein forms Y425C.
Identifiers: ClinVar variation 1010732 (VCV001010732.11), dbSNP rs1677690233, ClinGen allele CA344077979.